The following is an entry in ClinVar:

ClinVar aggregate classification (germline): Conflicting classifications of pathogenicity. Review status: criteria provided, conflicting classifications (1 of 4 stars). 5 submissions from 5 submitters: Uncertain significance (1); Benign (1); Likely benign (2). 1 of the submissions does not count toward it. Last evaluated 2026-02-01.

Conditions:
Spastic paraplegia. Identifiers: MedGen C0037772, HP:0001258.
SACS-related disorder. Also called: SACS-related condition.
Charlevoix-Saguenay spastic ataxia (SACS). Also called: Spastic ataxia of Charlevoix-Saguenay; SPASTIC ATAXIA 6, AUTOSOMAL RECESSIVE; AUTOSOMAL RECESSIVE SPASTIC ATAXIA OF CHARLEVOIX-SAGUENAY. Identifiers: Orphanet 98, MedGen C1849140, MONDO:0010041, OMIM 270550.

Allele frequency attached by ClinVar (database versions not stated): gnomAD 0.00004 and 0.00027; TOPMed 0.00007; ESP Exome Variant Server 0.00008; ExAC 0.00130; 1000 Genomes Project 0.00180; 1000 Genomes Project 30x 0.00187.

Submissions (5):

CeGaT Center for Human Genetics Tuebingen
Classification: Likely benign. Last evaluated: 2026-02-01. Review status: criteria provided, single submitter. Criteria: CeGaT Center For Human Genetics Tuebingen Variant Classification Criteria Version 2. Collection method: clinical testing. Allele origin: germline. Affected: yes. Observed: 1 variant allele.
Comment: SACS: BP4, BP7, BS2

Labcorp Genetics (formerly Invitae), Labcorp
Classification: Benign for Spastic paraplegia. Last evaluated: 2026-01-22. Review status: criteria provided, single submitter. Criteria: Invitae Variant Classification Sherloc (09022015). Collection method: clinical testing. Allele origin: germline.

Genome-Nilou Lab
Classification: Likely benign for Charlevoix-Saguenay spastic ataxia. Last evaluated: 2021-09-05. Review status: criteria provided, single submitter. Criteria: ACMG Guidelines, 2015. Collection method: clinical testing. Allele origin: germline. Affected: no.

Illumina Laboratory Services, Illumina
Classification: Uncertain significance for Charlevoix-Saguenay spastic ataxia. Last evaluated: 2018-01-13. Review status: criteria provided, single submitter. Criteria: ICSL Variant Classification Criteria 13 December 2019. Collection method: clinical testing. Allele origin: germline.

PreventionGenetics, part of Exact Sciences
Classification: Benign for SACS-related condition. Last evaluated: 2019-07-02. Review status: no assertion criteria provided. Collection method: clinical testing. Allele origin: germline. Not counted in ClinVar's aggregate classification.
Comment: This variant is classified as benign based on ACMG/AMP sequence variant interpretation guidelines (Richards et al. 2015 PMID: 25741868, with internal and published modifications).

NM_014363.6(SACS):c.1791A>T (p.Ser597=)

Gene: SACS (sacsin molecular chaperone; minus strand). Cytogenetic location: 13q12.12.
Variant type: single nucleotide variant.
Coding change: c.1791A>T on transcript NM_014363.6 (MANE Select); coding-DNA position 1791, A replaced by T.
Protein change: p.Ser597=; no amino-acid change (serine 597 retained).
Molecular consequence: synonymous variant.
Genome position (GRCh38, 1-based): chr13:23,354,821, T>A on the plus strand (A>T on the coding strand, the complement: SACS is on the minus strand). VCF-style: chr13-23354821-T-A. GRCh37 (hg19) VCF-style: chr13-23928960-T-A.
Other names: c.1350A>T, p.Ser450= (NM_001278055.2).
Identifiers: ClinVar variation 528036 (VCV000528036.24), dbSNP rs371175405, ClinGen allele CA6911850.